The following is an entry in ClinVar:

ClinVar aggregate classification (germline): Uncertain significance (1 of 4 stars; one submission).

Allele frequency attached by ClinVar (database versions not stated): gnomAD exomes below 0.00001.

Submission:

Labcorp Genetics (formerly Invitae), Labcorp
Classification: Uncertain significance. Last evaluated: 2022-03-13. Review status: criteria provided, single submitter. Criteria: Invitae Variant Classification Sherloc (09022015). Collection method: clinical testing. Allele origin: germline.
Comment: This sequence change replaces alanine, which is neutral and non-polar, with proline, which is neutral and non-polar, at codon 15 of the CTSK protein (p.Ala15Pro). This variant is not present in population databases (gnomAD no frequency). This variant has not been reported in the literature in individuals affected with CTSK-related conditions. Advanced modeling of protein sequence and biophysical properties (such as structural, functional, and spatial information, amino acid conservation, physicochemical variation, residue mobility, and thermodynamic stability) performed at Invitae indicates that this missense variant is not expected to disrupt CTSK protein function. In summary, the available evidence is currently insufficient to determine the role of this variant in disease. Therefore, it has been classified as a Variant of Uncertain Significance.

NM_000396.4(CTSK):c.43G>C (p.Ala15Pro)

Gene: CTSK (cathepsin K; minus strand). Cytogenetic location: 1q21.3.
Variant type: single nucleotide variant.
Coding change: c.43G>C on transcript NM_000396.4 (MANE Select); coding-DNA position 43, G replaced by C.
Protein change: p.Ala15Pro; replaces alanine 15 with proline.
Molecular consequence: missense variant.
Genome position (GRCh38, 1-based): chr1:150,806,763, C>G on the plus strand (G>C on the coding strand, the complement: CTSK is on the minus strand). VCF-style: chr1-150806763-C-G. GRCh37 (hg19) VCF-style: chr1-150779239-C-G.
Other names: short protein forms A15P.
Identifiers: ClinVar variation 1983170 (VCV001983170.1), dbSNP rs2525180631, ClinGen allele CA342337701.